The following is an entry in ClinVar:

ClinVar aggregate classification (germline): Benign. Review status: criteria provided, multiple submitters, no conflicts (2 of 4 stars). 5 submissions from 5 submitters: Benign (5). Last evaluated 2025-07-10.

Conditions:
Hereditary cancer-predisposing syndrome. Also called: Neoplastic Syndromes, Hereditary; Tumor predisposition; Hereditary neoplastic syndrome; Hereditary Cancer Syndrome. Identifiers: Orphanet 140162, MedGen C0027672, MeSH D009386, MONDO:0015356.
Hereditary breast ovarian cancer syndrome. Also called: Hereditary breast and ovarian cancer syndrome; Hereditary breast and ovarian cancer; Hereditary breast and ovarian cancer syndrome (HBOC); Breast and ovarian cancer; Hereditary breast and/or ovarian cancer syndrome; BRCA1- and BRCA2-Associated Hereditary Breast and Ovarian Cancer. Identifiers: Orphanet 145, MedGen C0677776, MeSH D061325, MONDO:0003582. Disease mechanism: loss of function.
Familial cancer of breast. Also called: BREAST CANCER, FAMILIAL; Hereditary breast cancer; hereditary breast carcinoma. Identifiers: Orphanet 227535, MedGen C0346153, MONDO:0016419, OMIM 114480. Disease mechanism: loss of function.

Allele frequency attached by ClinVar (database versions not stated): ExAC 0.68951; gnomAD exomes 0.71240 and 0.73337; gnomAD 0.73761 and 0.73905; TOPMed 0.74124; 1000 Genomes Project 30x 0.74141; 1000 Genomes Project 0.74501; ESP Exome Variant Server 0.78518.
gnomAD v4.1: 1,088,882 of 1,522,770 alleles (72%); highest among the groups gnomAD compares: Admixed American, 80%; 390,559 homozygotes.

Submissions (5):

GeneKor MSA
Classification: Benign for Hereditary cancer-predisposing syndrome. Last evaluated: 2025-07-10. Review status: criteria provided, single submitter. Criteria: ACMG Guidelines, 2015. Collection method: clinical testing. Allele origin: germline.

National Health Laboratory Service, Universitas Academic Hospital and University of the Free State
Classification: Benign for Hereditary breast ovarian cancer syndrome. Last evaluated: 2022-04-19. Review status: criteria provided, single submitter. Criteria: ACMG Guidelines, 2015. Collection method: clinical testing. Allele origin: germline. Affected: yes. Observed: 257 variant alleles.

Illumina Laboratory Services, Illumina
Classification: Benign for Familial cancer of breast. Last evaluated: 2018-01-13. Review status: criteria provided, single submitter. Criteria: ICSL Variant Classification Criteria 13 December 2019. Collection method: clinical testing. Allele origin: germline.
Comment: This variant was observed in the ICSL laboratory as part of a predisposition screen in an ostensibly healthy population. It had not been previously curated by ICSL or reported in the Human Gene Mutation Database (HGMD: prior to June 1st, 2018), and was therefore a candidate for classification through an automated scoring system. Utilizing variant allele frequency, disease prevalence and penetrance estimates, and inheritance mode, an automated score was calculated to assess if this variant is too frequent to cause the disease. Based on the score and internal cut-off values, a variant classified as benign is not then subjected to further curation. The score for this variant resulted in a classification of benign for this disease.

GeneDx
Classification: Benign. Last evaluated: 2015-03-03. Review status: criteria provided, single submitter. Criteria: GeneDx Variant Classification Process June 2021. Collection method: clinical testing. Allele origin: germline. Affected: yes.

Breakthrough Genomics
Classification: Benign. Review status: criteria provided, single submitter. Criteria: ACMG Guidelines, 2015. Collection method: not provided. Allele origin: germline. Inheritance: Autosomal dominant inheritance. Affected: yes.

NM_000465.4(BARD1):c.-48T>C

Genes: BARD1 (BRCA1 associated RING domain 1; minus strand), LOC129935544 (ATAC-STARR-seq lymphoblastoid silent region 12296; plus strand). Cytogenetic location: 2q35.
Variant type: single nucleotide variant.
Coding change: c.-48T>C on transcript NM_000465.4 (MANE Select); 48 bases upstream of the start codon, T replaced by C.
Molecular consequence: 5 prime UTR variant. On other transcripts: non-coding transcript variant (3).
Genome position (GRCh38, 1-based): chr2:214,809,617, A>G on the plus strand (T>C on the coding strand, the complement: BARD1 is on the minus strand). VCF-style: chr2-214809617-A-G. GRCh37 (hg19) VCF-style: chr2-215674341-A-G.
Other names: c.-48T>C (NM_001282543.2, NM_001282545.2, NM_001282548.2 and 1 more transcripts).
Identifiers: ClinVar variation 334200 (VCV000334200.10), dbSNP rs17489363, ClinGen allele CA2090545.